The following is an entry in ClinVar:

NM_003764.4(STX11):c.329T>C (p.Leu110Pro)

Gene: STX11 (syntaxin 11; plus strand). Cytogenetic location: 6q24.2.
Variant type: single nucleotide variant.
Coding change: c.329T>C on transcript NM_003764.4 (MANE Select); coding-DNA position 329, T replaced by C.
Protein change: p.Leu110Pro; replaces leucine 110 with proline.
Molecular consequence: missense variant.
Genome position (GRCh38, 1-based): chr6:144,186,956, T>C. VCF-style: chr6-144186956-T-C. GRCh37 (hg19) VCF-style: chr6-144508093-T-C.
Other names: p.Leu110Pro; short protein forms L110P.
Identifiers: ClinVar variation 4541231 (VCV004541231.1).

ClinVar aggregate classification (germline): Uncertain significance (1 of 4 stars; one submission).

gnomAD v4.1: 5 of 1,609,308 alleles (0.00031%); highest among the groups gnomAD compares: South Asian, 0.0055%; no homozygotes.

Submission:

Mayo Clinic Laboratories, Mayo Clinic
Classification: Uncertain significance. Last evaluated: 2025-03-11. Review status: criteria provided, single submitter. Criteria: ACMG Guidelines, 2015. Collection method: clinical testing. Allele origin: germline. Observed: 1 variant allele.
Comment: BP4, PM2_supporting